The following is an entry in ClinVar:

ClinVar aggregate classification (germline): Likely benign. Review status: criteria provided, multiple submitters, no conflicts (2 of 4 stars). 3 submissions from 3 submitters: Likely benign (2). 1 of the submissions does not count toward it. Last evaluated 2024-09-23.

Conditions:
PCNT-related disorder. Also called: PCNT-related condition.

gnomAD v4.1: 23 of 1,614,012 alleles (0.0014%); highest among the groups gnomAD compares: East Asian, 0.0022%; no homozygotes.

Submissions (3):

Labcorp Genetics (formerly Invitae), Labcorp
Classification: Likely benign. Last evaluated: 2024-09-23. Review status: criteria provided, single submitter. Criteria: Invitae Variant Classification Sherloc (09022015). Collection method: clinical testing. Allele origin: germline.

Blueprint Genetics
Classification: Likely benign. Last evaluated: 2024-01-03. Review status: criteria provided, single submitter. Criteria: ACMG Guidelines, 2015. Collection method: clinical testing. Allele origin: germline.

PreventionGenetics, part of Exact Sciences
Classification: Likely benign for PCNT-related condition. Last evaluated: 2024-03-13. Review status: no assertion criteria provided. Collection method: clinical testing. Allele origin: germline. Not counted in ClinVar's aggregate classification.
Comment: This variant is classified as likely benign based on ACMG/AMP sequence variant interpretation guidelines (Richards et al. 2015 PMID: 25741868, with internal and published modifications).

NM_006031.6(PCNT):c.1557G>A (p.Leu519=)

Gene: PCNT (pericentrin; plus strand). Cytogenetic location: 21q22.3.
Variant type: single nucleotide variant.
Coding change: c.1557G>A on transcript NM_006031.6 (MANE Select); coding-DNA position 1557, G replaced by A.
Protein change: p.Leu519=; no amino-acid change (leucine 519 retained).
Molecular consequence: synonymous variant.
Genome position (GRCh38, 1-based): chr21:46,353,204, G>A. VCF-style: chr21-46353204-G-A. GRCh37 (hg19) VCF-style: chr21-47773118-G-A.
Other names: c.1203G>A, p.Leu401= (NM_001315529.2).
Identifiers: ClinVar variation 3354424 (VCV003354424.4).